The following is an entry in ClinVar:

NM_014946.4(SPAST):c.1120C>T (p.Pro374Ser)

Gene: SPAST (spastin; plus strand). Cytogenetic location: 2p22.3.
Variant type: single nucleotide variant.
Coding change: c.1120C>T on transcript NM_014946.4 (MANE Select); coding-DNA position 1120, C replaced by T.
Protein change: p.Pro374Ser; replaces proline 374 with serine.
Molecular consequence: missense variant.
Genome position (GRCh38, 1-based): chr2:32,126,969, C>T. VCF-style: chr2-32126969-C-T. GRCh37 (hg19) VCF-style: chr2-32352038-C-T.
Other names: c.1117C>T, p.Pro373Ser (NM_001363823.2); c.1021C>T, p.Pro341Ser (NM_001363875.2); c.1024C>T, p.Pro342Ser (NM_001377959.1, NM_199436.2); short protein forms P374S, P341S, P342S, P373S.
Identifiers: ClinVar variation 448440 (VCV000448440.3), dbSNP rs1553316810, ClinGen allele CA346501236.

ClinVar aggregate classification (germline): Uncertain significance. Review status: criteria provided, multiple submitters, no conflicts (2 of 4 stars). 2 submissions from 2 submitters: Uncertain significance (2). Last evaluated 2026-03-10.

Conditions:
SPAST-related disorder. Also called: SPAST-related condition.

Submissions (2):

PreventionGenetics, part of Exact Sciences
Classification: Uncertain significance for SPAST-related condition. Last evaluated: 2026-03-10. Review status: criteria provided, single submitter. Criteria: ACMG Guidelines, 2015. Collection method: clinical testing. Allele origin: germline.
Comment: The SPAST c.1120C>T variant is predicted to result in the amino acid substitution p.Pro374Ser. To our knowledge, this variant has not been reported in the literature or in a large population database (gnomAD), indicating this variant is rare. Alternate missense changes at the same amino acid position (p.Pro374Thr, p.Pro374His, p,Pro374Arg, p.Pro374Leu) have been reported in individuals with hereditary spastic paraplegia phenotypes (p.Pro374Thr in Alber et al. 2005. PubMed ID: 16009377; p.Pro374His and p.Pro374Leu in Parodi et al. 2018. PubMed ID: 30476002; p.Pro374Arg in Shoukier et al. 2009. PubMed ID: 18701882). However, segregation information has only been reported for p.Pro374Thr. Although we suspect that the c.1120 C>T (p.Pro374Ser) variant variant may be pathogenic, at this time, the clinical significance of this variant is uncertain due to the absence of conclusive functional and genetic evidence.

Athena Diagnostics
Classification: Uncertain significance. Last evaluated: 2016-10-31. Review status: criteria provided, single submitter. Criteria: Athena Diagnostics Criteria. Collection method: clinical testing. Allele origin: germline.